The following is an entry in ClinVar:

NM_000548.5(TSC2):c.3840G>C (p.Gln1280His)

Gene: TSC2 (TSC complex subunit 2; plus strand). Cytogenetic location: 16p13.3.
Variant type: single nucleotide variant.
Coding change: c.3840G>C on transcript NM_000548.5 (MANE Select); coding-DNA position 3840, G replaced by C.
Protein change: p.Gln1280His; replaces glutamine 1280 with histidine.
Molecular consequence: missense variant. On other transcripts: intron variant (6).
Genome position (GRCh38, 1-based): chr16:2,082,461, G>C. VCF-style: chr16-2082461-G-C. GRCh37 (hg19) VCF-style: chr16-2132462-G-C.
Other names: c.3108G>C, p.Gln1036His (NM_001318831.2); c.3708G>C, p.Gln1236His (NM_001370404.1); c.3711G>C, p.Gln1237His (NM_001370405.1, NM_021055.3); c.3814+663G>C (NM_001114382.3); c.3685+663G>C (NM_001363528.2); c.3682+663G>C (NM_001077183.3); c.3574+663G>C (NM_001318827.2); c.3538+663G>C (NM_001318829.2); and 1 more; short protein forms Q1280H, Q1237H, Q1036H, Q1236H.
Identifiers: ClinVar variation 406030 (VCV000406030.11), dbSNP rs1060500941, ClinGen allele CA16615015.
Genomic context (GRCh38, chr16:2,082,461, plus strand): 5'-CTGCTGACGTGGCCGCACACGGCCTTCCCTTGCAGTGGCCTCTTTCTCCTCCCTGTACCA[G>C]TCCAGCTGCCAAGGACAGCTGCACAGGAGCGTTTCCTGGGCAGGTATCGCCTCTCAGAGG-3'
Protein context (NP_000539.2, residues 1270-1290): NTVASFSSLY[Gln1280His]SSCQGQLHRS

ClinVar aggregate classification (germline): Uncertain significance. Review status: criteria provided, multiple submitters, no conflicts (2 of 4 stars). 2 submissions from 2 submitters: Uncertain significance (2). Last evaluated 2025-11-24.

Conditions:
Hereditary cancer-predisposing syndrome. Also called: Tumor predisposition; Neoplastic Syndromes, Hereditary; Hereditary Cancer Syndrome; Hereditary neoplastic syndrome. Identifiers: Orphanet 140162, MedGen C0027672, MeSH D009386, MONDO:0015356.
Tuberous sclerosis 2 (TSC2). Identifiers: Orphanet 805, MedGen C1860707, MONDO:0013199, OMIM 613254.

Submissions (2):

Labcorp Genetics (formerly Invitae), Labcorp
Classification: Uncertain significance for Tuberous sclerosis 2. Last evaluated: 2025-11-24. Review status: criteria provided, single submitter. Criteria: Invitae Variant Classification Sherloc (09022015). Collection method: clinical testing. Allele origin: germline.
Comment: This sequence change replaces glutamine, which is neutral and polar, with histidine, which is basic and polar, at codon 1280 of the TSC2 protein (p.Gln1280His). This variant is not present in population databases (gnomAD no frequency). This variant has not been reported in the literature in individuals affected with TSC2-related conditions. ClinVar contains an entry for this variant (Variation ID: 406030). Invitae Evidence Modeling of protein sequence and biophysical properties (such as structural, functional, and spatial information, amino acid conservation, physicochemical variation, residue mobility, and thermodynamic stability) indicates that this missense variant is not expected to disrupt TSC2 protein function with a negative predictive value of 95%. In summary, the available evidence is currently insufficient to determine the role of this variant in disease. Therefore, it has been classified as a Variant of Uncertain Significance.

Ambry Genetics
Classification: Uncertain significance for Hereditary cancer-predisposing syndrome. Last evaluated: 2024-05-18. Review status: criteria provided, single submitter. Criteria: Ambry Variant Classification Scheme 2023. Collection method: clinical testing. Allele origin: germline.
Comment: The p.Q1280H variant (also known as c.3840G>C), located in coding exon 31 of the TSC2 gene, results from a G to C substitution at nucleotide position 3840. The glutamine at codon 1280 is replaced by histidine, an amino acid with highly similar properties. This amino acid position is conserved. In addition, the in silico prediction for this alteration is inconclusive. Based on the available evidence, the clinical significance of this variant remains unclear.